The following is an entry in ClinVar:

NM_000038.6(APC):c.8034T>C (p.Asn2678=)

Gene: APC (APC regulator of Wnt signaling pathway; plus strand). Cytogenetic location: 5q22.2.
Variant type: single nucleotide variant.
Coding change: c.8034T>C on transcript NM_000038.6 (MANE Select); coding-DNA position 8034, T replaced by C.
Protein change: p.Asn2678=; no amino-acid change (asparagine 2678 retained).
Molecular consequence: synonymous variant. On other transcripts: non-coding transcript variant (2).
Genome position (GRCh38, 1-based): chr5:112,843,628, T>C. VCF-style: chr5-112843628-T-C. GRCh37 (hg19) VCF-style: chr5-112179325-T-C.
Other names: c.8034T>C, p.Asn2678= (NM_001127510.3, NM_001354895.2, NM_001407450.1); c.7980T>C, p.Asn2660= (NM_001127511.3); c.8088T>C, p.Asn2696= (NM_001354896.2, NM_001407447.1, NM_001407448.1 and 1 more transcripts); c.8064T>C, p.Asn2688= (NM_001354897.2); c.7959T>C, p.Asn2653= (NM_001354898.2); c.7950T>C, p.Asn2650= (NM_001354899.2); c.7911T>C, p.Asn2637= (NM_001354900.2); c.7857T>C, p.Asn2619= (NM_001354901.2, NM_001407453.1); and 11 more.
Identifiers: ClinVar variation 3253963 (VCV003253963.1), dbSNP rs765457258.

ClinVar aggregate classification (germline): Benign (1 of 4 stars; one submission).

Conditions:
Familial adenomatous polyposis 1 (FAP1). Also called: POLYPOSIS, ADENOMATOUS INTESTINAL; FAMILIAL ADENOMATOUS POLYPOSIS 1, ATTENUATED. Identifiers: MedGen C2713442, MONDO:0021056, OMIM 175100. Disease mechanism: loss of function.

Allele frequency attached by ClinVar (database versions not stated): gnomAD exomes below 0.00001; ExAC 0.00001.
gnomAD v4.1: 4 of 1,613,842 alleles (0.00025%); highest among the groups gnomAD compares: South Asian, 0.0044%; no homozygotes.

Submission:

Myriad Genetics, Inc.
Classification: Benign for Familial adenomatous polyposis 1. Last evaluated: 2024-04-12. Review status: criteria provided, single submitter. Criteria: Myriad Autosomal Dominant, Autosomal Recessive and X-Linked Classification Criteria (2023). Collection method: clinical testing. Allele origin: unknown.
Comment: This variant is considered benign. This variant is a silent/synonymous amino acid change and it is not expected to impact splicing.